The following is an entry in ClinVar:

ClinVar aggregate classification (germline): Likely pathogenic (1 of 4 stars; one submission).

Conditions:
Sensory ataxic neuropathy, dysarthria, and ophthalmoparesis (SANDO). Also called: SENSORY ATAXIC NEUROPATHY WITH MITOCHONDRIAL DNA DELETIONS, AUTOSOMAL RECESSIVE; Epilepsy, progressive myoclonic, type 5; Ataxia Neuropathy Spectrum (ANS); Sensory ataxic neuropathy-dysarthria-ophthalmoparesis syndrome. Identifiers: Orphanet 70595, MedGen C1843851, MONDO:0011835, OMIM 607459.
Progressive external ophthalmoplegia with mitochondrial DNA deletions, autosomal dominant 1 (PEOA1). Also called: Autosomal Dominant Progressive External Ophthalmoplegia (adPEO); PROGRESSIVE EXTERNAL OPHTHALMOPLEGIA, AUTOSOMAL DOMINANT 1. Identifiers: MedGen C1834846, MONDO:0024528, OMIM 157640.
Progressive external ophthalmoplegia with mitochondrial DNA deletions, autosomal recessive 1 (PEOB1). Also called: Autosomal Recessive Progressive External Ophthalmoplegia (arPEO); Progressive external ophthalmoplegia, autosomal recessive 1. Identifiers: Orphanet 254886, MedGen C4225153, MONDO:0009783, OMIM 258450.
Mitochondrial DNA depletion syndrome 4b. Also called: Mitochondrial Neurogastrointestinal Encephalopathy Disease, POLG-Related; MNGIE, POLG-RELATED. Identifiers: Orphanet 298, MedGen C3150914, MONDO:0013350, OMIM 613662.
Progressive sclerosing poliodystrophy (MTDPS4A). Also called: ALPERS PROGRESSIVE INFANTILE POLIODYSTROPHY; Mitochondrial DNA Depletion Syndrome 4A; Alpers Syndrome; Mitochondrial DNA depletion syndrome 4A (Alpers type); NEURONAL DEGENERATION OF CHILDHOOD WITH LIVER DISEASE, PROGRESSIVE; ALPERS DIFFUSE DEGENERATION OF CEREBRAL GRAY MATTER WITH HEPATIC CIRRHOSIS. Identifiers: Orphanet 726, MedGen C0205710, MONDO:0008758, OMIM 203700.

Submission:

Juno Genomics, Hangzhou Juno Genomics, Inc
Classification: Likely pathogenic for Progressive sclerosing poliodystrophy; Mitochondrial DNA depletion syndrome 4b; Sensory ataxic neuropathy, dysarthria, and ophthalmoparesis; Progressive external ophthalmoplegia with mitochondrial DNA deletions, autosomal dominant 1; Progressive external ophthalmoplegia with mitochondrial DNA deletions, autosomal recessive 1. Review status: criteria provided, single submitter. Criteria: ACMG Guidelines, 2015. Collection method: clinical testing. Allele origin: germline.
Comment: Null variant in a gene where loss of function (LOF) is a known mechanism of disease.;Absent from controls (or at extremely low frequency if recessive) in Genome Aggregation Database.

NM_002693.3(POLG):c.1332C>A (p.Tyr444Ter)

Gene: POLG (DNA polymerase gamma, catalytic subunit; minus strand). Cytogenetic location: 15q26.1.
Variant type: single nucleotide variant.
Coding change: c.1332C>A on transcript NM_002693.3 (MANE Select); coding-DNA position 1332, C replaced by A.
Protein change: p.Tyr444Ter; replaces tyrosine 444 with a stop codon.
Molecular consequence: nonsense.
Genome position (GRCh38, 1-based): chr15:89,327,268, G>T on the plus strand (C>A on the coding strand, the complement: POLG is on the minus strand). VCF-style: chr15-89327268-G-T. GRCh37 (hg19) VCF-style: chr15-89870499-G-T.
Other names: c.1332C>A, p.Tyr444Ter (NM_001126131.2); short protein forms Y444*.
Identifiers: ClinVar variation 5005478 (VCV005005478.2).